The following is an entry in ClinVar:

ClinVar aggregate classification (germline): Pathogenic (1 of 4 stars; one submission).

Conditions:
Metachromatic leukodystrophy (MLD). Also called: METACHROMATIC LEUKOENCEPHALOPATHY; SULFATIDE LIPIDOSIS; Cerebral sclerosis diffuse metachromatic form; ARSA DEFICIENCY; CEREBROSIDE SULFATASE DEFICIENCY; Arylsulfatase A Deficiency. Identifiers: Orphanet 512, MedGen C0023522, MONDO:0018868, OMIM 250100.

Submission:

Labcorp Genetics (formerly Invitae), Labcorp
Classification: Pathogenic for Metachromatic leukodystrophy. Last evaluated: 2023-08-25. Review status: criteria provided, single submitter. Criteria: Invitae Variant Classification Sherloc (09022015). Collection method: clinical testing. Allele origin: germline.
Comment: For these reasons, this variant has been classified as Pathogenic. This variant has not been reported in the literature in individuals affected with ARSA-related conditions. This variant is not present in population databases (gnomAD no frequency). This sequence change creates a premature translational stop signal (p.Tyr90Serfs*36) in the ARSA gene. It is expected to result in an absent or disrupted protein product. Loss-of-function variants in ARSA are known to be pathogenic (PMID: 8962139, 10477432).

Literature cited by the submitters: PubMed 8962139; PubMed 10477432.

NM_000487.6(ARSA):c.269_335del (p.Tyr90fs)

Gene: ARSA (arylsulfatase A; minus strand). Cytogenetic location: 22q13.33.
Variant type: Deletion.
Coding change: c.269_335del on transcript NM_000487.6 (MANE Select); coding-DNA positions 269 to 335, 67 bases deleted.
Protein change: p.Tyr90fs; shifts the reading frame from tyrosine 90.
Molecular consequence: frameshift variant.
Genome position (GRCh38, 1-based): chr22:50,627,296-50,627,362, 67 bases deleted. GRCh37 (hg19): chr22:51,065,726-51,065,792.
Other names: c.269_335del, p.Tyr90fs (NM_001085425.3, NM_001085426.3, NM_001085427.3); c.11_77del, p.Tyr4fs (NM_001085428.3, NM_001362782.2); short protein forms Y4fs, Y90fs.
Identifiers: ClinVar variation 2755035 (VCV002755035.3), dbSNP rs2518334198, ClinGen allele CA2697552823.